The following is an entry in ClinVar:

ClinVar aggregate classification (germline): Uncertain significance (1 of 4 stars; one submission).

gnomAD v4.1: 27 of 1,614,018 alleles (0.0017%); highest among the groups gnomAD compares: Non-Finnish European, 0.0023%; no homozygotes.

Submission:

Labcorp Genetics (formerly Invitae), Labcorp
Classification: Uncertain significance. Last evaluated: 2025-12-27. Review status: criteria provided, single submitter. Criteria: Invitae Variant Classification Sherloc (09022015). Collection method: clinical testing. Allele origin: germline.
Comment: This sequence change replaces arginine, which is basic and polar, with glutamine, which is neutral and polar, at codon 587 of the MACF1 protein (p.Arg587Gln). This variant is present in population databases (rs750364998, gnomAD 0.002%). This variant has not been reported in the literature in individuals affected with MACF1-related conditions. An algorithm developed to predict the effect of missense changes on protein structure and function (PolyPhen-2) suggests that this variant is likely to be tolerated. In summary, the available evidence is currently insufficient to determine the role of this variant in disease. Therefore, it has been classified as a Variant of Uncertain Significance.

NM_001394062.1(MACF1):c.1745G>A (p.Arg582Gln)

Gene: MACF1 (microtubule actin crosslinking factor 1; plus strand). Cytogenetic location: 1p34.3.
Variant type: single nucleotide variant.
Coding change: c.1745G>A on transcript NM_001394062.1 (MANE Select); coding-DNA position 1745, G replaced by A.
Protein change: p.Arg582Gln; replaces arginine 582 with glutamine.
Molecular consequence: missense variant.
Genome position (GRCh38, 1-based): chr1:39,287,522, G>A. VCF-style: chr1-39287522-G-A. GRCh37 (hg19) VCF-style: chr1-39753194-G-A.
Other names: c.1760G>A, p.Arg587Gln (NM_012090.5); short protein forms R582Q, R587Q.
Identifiers: ClinVar variation 4753638 (VCV004753638.1).